The following is an entry in ClinVar:

ClinVar aggregate classification (germline): Pathogenic/Likely pathogenic. Review status: criteria provided, multiple submitters, no conflicts (2 of 4 stars). 3 submissions from 3 submitters: Pathogenic (1); Likely pathogenic (1). 1 of the submissions does not count toward it. Last evaluated 2025-12-09.

Conditions:
Severe combined immunodeficiency disease. Also called: Severe combined immunodeficiency; Severe Combined Immune Deficiency. Identifiers: Orphanet 183660, MedGen C0085110, MeSH D016511, MONDO:0015974, HP:0004430. Inheritance: X-Linked or Autosomal recessive.
Purine-nucleoside phosphorylase deficiency. Also called: Immunodeficiency due to purine nucleoside phosphorylase deficiency; NUCLEOSIDE PHOSPHORYLASE DEFICIENCY. Identifiers: Orphanet 760, MedGen C0268125, MONDO:0013171, OMIM 613179.

Allele frequency attached by ClinVar (database versions not stated): TOPMed 0.00001; gnomAD 0.00001.
gnomAD v4.1: 90 of 1,614,036 alleles (0.0056%); highest among the groups gnomAD compares: Non-Finnish European, 0.0076%; no homozygotes.

Submissions (3):

Labcorp Genetics (formerly Invitae), Labcorp
Classification: Pathogenic for Purine-nucleoside phosphorylase deficiency. Last evaluated: 2025-12-09. Review status: criteria provided, single submitter. Criteria: Invitae Variant Classification Sherloc (09022015). Collection method: clinical testing. Allele origin: germline.
Comment: This sequence change replaces aspartic acid, which is acidic and polar, with glycine, which is neutral and non-polar, at codon 128 of the PNP protein (p.Asp128Gly). This variant is not present in population databases (gnomAD no frequency). This missense change has been observed in individual(s) with purine nucleoside phosphorylase (PNP) deficiency (PMID: 1384322, 22132981, 24767876). In at least one individual the data is consistent with being in trans (on the opposite chromosome) from a pathogenic variant. ClinVar contains an entry for this variant (Variation ID: 13990). Invitae Evidence Modeling of protein sequence and biophysical properties (such as structural, functional, and spatial information, amino acid conservation, physicochemical variation, residue mobility, and thermodynamic stability) indicates that this missense variant is expected to disrupt PNP protein function with a positive predictive value of 80%. Experimental studies have shown that this missense change affects PNP function (PMID: 1384322). For these reasons, this variant has been classified as Pathogenic.

Women's Health and Genetics/Laboratory Corporation of America, LabCorp
Classification: Likely pathogenic for Severe combined immunodeficiency disease. Last evaluated: 2025-09-05. Review status: criteria provided, single submitter. Criteria: LabCorp Variant Classification Summary - May 2015. Collection method: clinical testing. Allele origin: germline.
Comment: Variant summary: PNP c.383A>G (p.Asp128Gly) results in a non-conservative amino acid change in the encoded protein sequence. Algorithms developed to predict the effect of missense changes on protein structure and function all suggest that this variant is likely to be disruptive. The variant was absent in 251448 control chromosomes. c.383A>G has been observed in individuals affected with Severe Combined Immunodeficiency (e.g. Aust_1992, la Marca_2014). These data indicate that the variant may be associated with disease. At least one publication reports experimental evidence evaluating an impact on protein function. The most pronounced variant effect resulted in undetectable enzyme activity (e.g. Aust_1992). The following publications have been ascertained in the context of this evaluation (PMID: 1384322, 9067751, 24767876). ClinVar contains an entry for this variant (Variation ID: 13990). Based on the evidence outlined above, the variant was classified as likely pathogenic.

OMIM
Classification: Pathogenic for NUCLEOSIDE PHOSPHORYLASE DEFICIENCY. Last evaluated: 1992-10-01. Review status: no assertion criteria provided. Collection method: literature only. Allele origin: germline. Not counted in ClinVar's aggregate classification.

Literature cited by the submitters: PubMed 1384322 (cited by 3 submitters); PubMed 22132981 (cited by Labcorp Genetics (formerly Invitae), Labcorp); PubMed 24767876 (cited by Labcorp Genetics (formerly Invitae), Labcorp and Women's Health and Genetics/Laboratory Corporation of America, LabCorp); PubMed 9067751 (cited by Women's Health and Genetics/Laboratory Corporation of America, LabCorp).

NM_000270.4(PNP):c.383A>G (p.Asp128Gly)

Gene: PNP (purine nucleoside phosphorylase; plus strand). Cytogenetic location: 14q11.2.
Variant type: single nucleotide variant.
Coding change: c.383A>G on transcript NM_000270.4 (MANE Select); coding-DNA position 383, A replaced by G.
Protein change: p.Asp128Gly; replaces aspartic acid 128 with glycine.
Molecular consequence: missense variant.
Genome position (GRCh38, 1-based): chr14:20,474,870, A>G. VCF-style: chr14-20474870-A-G. GRCh37 (hg19) VCF-style: chr14-20943029-A-G.
Other names: short protein forms D128G.
Identifiers: ClinVar variation 13990 (VCV000013990.11), dbSNP rs104894450, ClinGen allele CA123673.
Genomic context (GRCh38, chr14:20,474,870, plus strand): 5'-TGGACACCCTGGTAGTCACCAATGCAGCAGGAGGGCTGAACCCCAAGTTTGAGGTTGGAG[A>G]TATCATGCTGATCCGTGACCATATCAACCTACCTGGTTTCAGTGGTCAGAACCCTCTCAG-3'
Protein context (NP_000261.2, residues 118-138): GGLNPKFEVG[Asp128Gly]IMLIRDHINL